The following is an entry in ClinVar:

NM_005585.5(SMAD6):c.696G>A (p.Trp232Ter)

Gene: SMAD6 (SMAD family member 6; plus strand). Cytogenetic location: 15q22.31.
Variant type: single nucleotide variant.
Coding change: c.696G>A on transcript NM_005585.5 (MANE Select); coding-DNA position 696, G replaced by A.
Protein change: p.Trp232Ter; replaces tryptophan 232 with a stop codon.
Molecular consequence: nonsense. On other transcripts: non-coding transcript variant (1).
Genome position (GRCh38, 1-based): chr15:66,703,954, G>A. VCF-style: chr15-66703954-G-A. GRCh37 (hg19) VCF-style: chr15-66996292-G-A.
Other names: short protein forms W232*.
Identifiers: ClinVar variation 942460 (VCV000942460.11), dbSNP rs759094719, ClinGen allele CA392950060.
Genomic context (GRCh38, chr15:66,703,954, plus strand): 5'-CCTCCGCCTGGGCGGCCAGCCCGCGCCGCCGCAGCTGCTGCTCGGCCGCCTCTTTCGCTG[G>A]CCCGACCTGCAGCACGCCGTGGAGCTGAAGCCCCTGTGCGGCTGCCACAGCTTCGCCGCC-3'

ClinVar aggregate classification (germline): Conflicting classifications of pathogenicity. Review status: criteria provided, conflicting classifications (1 of 4 stars). 3 submissions from 3 submitters: Pathogenic (1); Uncertain significance (1). 1 of the submissions does not count toward it. Last evaluated 2026-02-26.

Conditions:
Radioulnar synostosis. Also called: Congenital radioulnar synostosis. Identifiers: Orphanet 3269, MedGen C0158761, MONDO:0017985, HP:0002974.
Aortic valve disease 2 (AOVD2). Identifiers: MedGen C3542024, MONDO:0013902, OMIM 614823.

Allele frequency attached by ClinVar (database versions not stated): gnomAD 0.00001; TOPMed 0.00001.
gnomAD v4.1: 5 of 1,426,288 alleles (0.00035%); highest among the groups gnomAD compares: Non-Finnish European, 0.00037%; no homozygotes.

Submissions (3):

GeneDx
Classification: Pathogenic. Last evaluated: 2026-02-26. Review status: criteria provided, single submitter. Criteria: GeneDx Variant Classification Process June 2021. Collection method: clinical testing. Allele origin: germline.
Comment: Nonsense variant predicted to result in protein truncation or nonsense mediated decay in a gene for which loss of function is a known mechanism of disease; Not observed at significant frequency in large population cohorts (gnomAD); This variant is associated with the following publications: (PMID: 40127276, 34953066)

Labcorp Genetics (formerly Invitae), Labcorp
Classification: Uncertain significance for Aortic valve disease 2. Last evaluated: 2019-08-24. Review status: criteria provided, single submitter. Criteria: Invitae Variant Classification Sherloc (09022015). Collection method: clinical testing. Allele origin: germline.
Comment: In summary, the available evidence is currently insufficient to determine the role of this variant in disease. Therefore, it has been classified as a Variant of Uncertain Significance. The current clinical and genetic evidence is not sufficient to establish whether loss-of-function variants in SMAD6 cause disease. This variant has not been reported in the literature in individuals with SMAD6-related conditions. The frequency data for this variant in the population databases is considered unreliable, as metrics indicate insufficient coverage at this position in the ExAC database. This sequence change creates a premature translational stop signal (p.Trp232*) in the SMAD6 gene. It is expected to result in an absent or disrupted protein product.

The Laboratory of Genetics and Metabolism, Hunan Children’s Hospital
Classification: Pathogenic for Radioulnar synostosis. Last evaluated: 2020-06-20. Review status: no assertion criteria provided. Collection method: research. Allele origin: de novo. Affected: yes. Not counted in ClinVar's aggregate classification.